The following is an entry in ClinVar:

ClinVar aggregate classification (germline): Likely pathogenic (1 of 4 stars; one submission).

Conditions:
Breast-ovarian cancer, familial, susceptibility to, 1 (BROVCA1). Also called: BRCA1 Hereditary Breast and Ovarian Cancer; OVARIAN CANCER, SUSCEPTIBILITY TO. Identifiers: Orphanet 145, MedGen C2676676, MONDO:0011450, OMIM 604370. Disease mechanism: loss of function.

Submission:

Institute of Immunology and Genetics Kaiserslautern
Classification: Likely pathogenic for Breast-ovarian cancer, familial, susceptibility to, 1. Last evaluated: 2024-07-31. Review status: criteria provided, single submitter. Criteria: ACMG Guidelines, 2015. Collection method: clinical testing. Allele origin: germline. Affected: yes.
Comment: ACMG Criteria: PVS1, PM2; Variant was found in heterozygous state

NM_000059.4(BRCA2):c.1094del (p.Pro365fs)

Gene: BRCA2 (BRCA2 DNA repair associated; plus strand). Cytogenetic location: 13q13.1.
Variant type: Deletion.
Coding change: c.1094del on transcript NM_000059.4 (MANE Select); coding-DNA position 1094, one base deleted (C; older notation c.1094delC).
Protein change: p.Pro365fs; shifts the reading frame from proline 365.
Molecular consequence: frameshift variant. On other transcripts: non-coding transcript variant (1), intron variant (1).
Genome position (GRCh38, 1-based): chr13:32,332,572, C deleted; the last of 2 consecutive C bases (chr13:32,332,571-32,332,572); deleting either gives the same sequence. VCF-style (leftmost placement, unchanged base first): chr13-32332570-TC-T. GRCh37 (hg19) VCF-style: chr13-32906707-TC-T.
Other names: c.1094delC, p.Pro365Hisfs (NM_000059.3); c.1094del, p.Pro365fs (NM_001406719.1, NM_001406720.1, NM_001406721.1); c.424+1542del (NM_001406722.1); short protein forms P365fs.
Identifiers: ClinVar variation 3257736 (VCV003257736.1).